The following is an entry in ClinVar:

ClinVar aggregate classification (germline): Uncertain significance (1 of 4 stars; one submission).

Conditions:
Developmental and epileptic encephalopathy, 9 (DEE9). Also called: Early infantile epileptic encephalopathy 9; PCDH19-Related X-Linked Female-Limited Epilepsy with Mental Retardation; EPILEPSY, FEMALE-RESTRICTED, WITH MENTAL RETARDATION; JUBERG-HELLMAN SYNDROME. Identifiers: Orphanet 101039, Orphanet 2076, MedGen C1848137, MONDO:0010246, OMIM 300088. Disease mechanism: loss of function.

Submission:

Labcorp Genetics (formerly Invitae), Labcorp
Classification: Uncertain significance for Developmental and epileptic encephalopathy, 9. Last evaluated: 2024-12-02. Review status: criteria provided, single submitter. Criteria: Invitae Variant Classification Sherloc (09022015). Collection method: clinical testing. Allele origin: germline.
Comment: This sequence change replaces histidine, which is basic and polar, with glutamine, which is neutral and polar, at codon 452 of the PCDH19 protein (p.His452Gln). This variant is not present in population databases (gnomAD no frequency). This variant has not been reported in the literature in individuals affected with PCDH19-related conditions. Invitae Evidence Modeling of protein sequence and biophysical properties (such as structural, functional, and spatial information, amino acid conservation, physicochemical variation, residue mobility, and thermodynamic stability) indicates that this missense variant is not expected to disrupt PCDH19 protein function with a negative predictive value of 95%. In summary, the available evidence is currently insufficient to determine the role of this variant in disease. Therefore, it has been classified as a Variant of Uncertain Significance.

NM_001184880.2(PCDH19):c.1356C>G (p.His452Gln)

Gene: PCDH19 (protocadherin 19; minus strand). Cytogenetic location: Xq22.1.
Variant type: single nucleotide variant.
Coding change: c.1356C>G on transcript NM_001184880.2 (MANE Select); coding-DNA position 1356, C replaced by G.
Protein change: p.His452Gln; replaces histidine 452 with glutamine.
Molecular consequence: missense variant.
Genome position (GRCh38, 1-based): chrX:100,407,242, G>C on the plus strand (C>G on the coding strand, the complement: PCDH19 is on the minus strand). VCF-style: chrX-100407242-G-C. GRCh37 (hg19) VCF-style: chrX-99662240-G-C.
Other names: c.1356C>G, p.His452Gln (NM_001105243.2, NM_020766.3); short protein forms H452Q.
Identifiers: ClinVar variation 3716236 (VCV003716236.2).
Genomic context (GRCh38, chrX:100,407,242, plus strand): 5'-CAGATAGGCGCCAGGCGTGTTGTTCTCCTGCACAATGACCTGGTAGTAGGGCTTGGAAAA[G>C]TGCGGGTGGTTGTCATTTTCGTCAGTGATGAGCACGGTAAAGGACTTGGCACTCTGCAGC-3'
Protein context (NP_001171809.1, residues 442-462): LITDENDNHP[His452Gln]FSKPYYQVIV